The following is an entry in ClinVar:

NM_015512.5(DNAH1):c.9588G>A (p.Thr3196=)

Gene: DNAH1 (dynein axonemal heavy chain 1; plus strand). Cytogenetic location: 3p21.1.
Variant type: single nucleotide variant.
Coding change: c.9588G>A on transcript NM_015512.5 (MANE Select); coding-DNA position 9588, G replaced by A.
Protein change: p.Thr3196=; no amino-acid change (threonine 3196 retained).
Molecular consequence: synonymous variant.
Genome position (GRCh38, 1-based): chr3:52,389,553, G>A. VCF-style: chr3-52389553-G-A. GRCh37 (hg19) VCF-style: chr3-52423569-G-A.
Identifiers: ClinVar variation 772251 (VCV000772251.9), dbSNP rs751393038, ClinGen allele CA2435573.

ClinVar aggregate classification (germline): Likely benign. Review status: criteria provided, single submitter (1 of 4 stars). 2 submissions from 2 submitters: Likely benign (1). 1 of the submissions does not count toward it. Last evaluated 2025-06-01.

Conditions:
DNAH1-related disorder. Also called: DNAH1-related condition.
Spermatogenic failure 18. Identifiers: MedGen C4539783, MONDO:0054615, OMIM 617576.
Ciliary dyskinesia, primary, 37 (CILD37). Also called: CILIARY DYSKINESIA, PRIMARY, 37, WITH OR WITHOUT SITUS INVERSUS. Identifiers: MedGen C4539798, MONDO:0033204, OMIM 617577.

Allele frequency attached by ClinVar (database versions not stated): ExAC 0.00005; gnomAD 0.00009 and 0.00010; TOPMed 0.00007.
gnomAD v4.1: 196 of 1,536,400 alleles (0.013%); highest among the groups gnomAD compares: Non-Finnish European, 0.016%; no homozygotes.

Submissions (2):

Labcorp Genetics (formerly Invitae), Labcorp
Classification: Likely benign for Ciliary dyskinesia, primary, 37; Spermatogenic failure 18. Last evaluated: 2025-06-01. Review status: criteria provided, single submitter. Criteria: Invitae Variant Classification Sherloc (09022015). Collection method: clinical testing. Allele origin: germline.

PreventionGenetics, part of Exact Sciences
Classification: Likely benign for DNAH1-related condition. Last evaluated: 2019-03-13. Review status: no assertion criteria provided. Collection method: clinical testing. Allele origin: germline. Not counted in ClinVar's aggregate classification.
Comment: This variant is classified as likely benign based on ACMG/AMP sequence variant interpretation guidelines (Richards et al. 2015 PMID: 25741868, with internal and published modifications).